The following is an entry in ClinVar:

NM_002734.5(PRKAR1A):c.8C>T (p.Ser3Phe)

Gene: PRKAR1A (protein kinase cAMP-dependent type I regulatory subunit alpha; plus strand). Cytogenetic location: 17q24.2.
Variant type: single nucleotide variant.
Coding change: c.8C>T on transcript NM_002734.5 (MANE Select); coding-DNA position 8, C replaced by T.
Protein change: p.Ser3Phe; replaces serine 3 with phenylalanine.
Molecular consequence: missense variant.
Genome position (GRCh38, 1-based): chr17:68,515,407, C>T. VCF-style: chr17-68515407-C-T. GRCh37 (hg19) VCF-style: chr17-66511548-C-T.
Other names: c.8C>T, p.Ser3Phe (NM_001276289.2, NM_001276290.1, NM_001278433.2 and 4 more transcripts); short protein forms S3F.
Identifiers: ClinVar variation 3222779 (VCV003222779.1), dbSNP rs752643409, ClinGen allele CA400751772.

ClinVar aggregate classification (germline): Uncertain significance (1 of 4 stars; one submission).

Conditions:
Hereditary cancer-predisposing syndrome. Also called: Tumor predisposition; Hereditary neoplastic syndrome; Hereditary Cancer Syndrome; Neoplastic Syndromes, Hereditary. Identifiers: Orphanet 140162, MedGen C0027672, MeSH D009386, MONDO:0015356.

Submission:

Ambry Genetics
Classification: Uncertain significance for Hereditary cancer-predisposing syndrome. Last evaluated: 2024-02-24. Review status: criteria provided, single submitter. Criteria: Ambry Variant Classification Scheme 2023. Collection method: clinical testing. Allele origin: germline.
Comment: The p.S3F variant (also known as c.8C>T), located in coding exon 1 of the PRKAR1A gene, results from a C to T substitution at nucleotide position 8. The serine at codon 3 is replaced by phenylalanine, an amino acid with highly dissimilar properties. This amino acid position is conserved. In addition, the in silico prediction for this alteration is inconclusive. Based on the available evidence, the clinical significance of this alteration remains unclear.